The following is an entry in ClinVar:

NM_000233.4(LHCGR):c.1847C>A (p.Ser616Tyr)

Genes: STON1-GTF2A1L (STON1-GTF2A1L readthrough; plus strand), LHCGR (luteinizing hormone/choriogonadotropin receptor; minus strand). Cytogenetic location: 2p16.3.
Variant type: single nucleotide variant.
Coding change: c.1847C>A on transcript NM_000233.4 (MANE Select); coding-DNA position 1847, C replaced by A.
Protein change: p.Ser616Tyr; replaces serine 616 with tyrosine.
Molecular consequence: missense variant. On other transcripts: intron variant (1).
Genome position (GRCh38, 1-based): chr2:48,687,950, G>T on the plus strand (C>A on the coding strand, the complement: LHCGR is on the minus strand). VCF-style: chr2-48687950-G-T. GRCh37 (hg19) VCF-style: chr2-48915089-G-T.
Other names: c.3441+16270G>T (NM_001198593.2); short protein forms S616Y.
Identifiers: ClinVar variation 14393 (VCV000014393.7), dbSNP rs121912525, ClinGen allele CA123923.
Genomic context (GRCh38, chr2:48,687,950, plus strand): 5'-AGAAAGAAATCTCTTTGGAATGTCTTAGTGAATATTGCATACAGAAATGGATTGGCACAA[G>T]AATTGATGGGATAAAAAAGAACCAGTAAAACTTTAGAGTTGGTTACTGTGATAAGAGGTA-3'
Protein context (NP_000224.2, residues 606-626): VLLVLFYPIN[Ser616Tyr]CANPFLYAIF

ClinVar aggregate classification (germline): Pathogenic/Likely pathogenic. Review status: criteria provided, multiple submitters, no conflicts (2 of 4 stars). 4 submissions from 4 submitters: Pathogenic (2); Likely pathogenic (1). 1 of the submissions does not count toward it. Last evaluated 2025-10-06.

Conditions:
Leydig hypoplasia, type I. Identifiers: MedGen C4016252.
Leydig cell agenesis. Also called: Leydig cell hypoplasia, type 1; HYPERGONADOTROPIC HYPOGONADISM, MALE, DUE TO LHCGR DEFECT; LEYDIG CELL HYPOPLASIA WITH MALE PSEUDOHERMAPHRODITISM; LEYDIG CELL HYPOPLASIA, COMPLETE. Identifiers: MedGen C0266432, MONDO:0009384, OMIM 238320.

Allele frequency attached by ClinVar (database versions not stated): ExAC 0.00002; gnomAD exomes 0.00002; gnomAD 0.00005; TOPMed 0.00014; 1000 Genomes Project 30x 0.00016; 1000 Genomes Project 0.00020.
gnomAD v4.1: 19 of 1,614,136 alleles (0.0012%); highest among the groups gnomAD compares: Admixed American, 0.028%; no homozygotes.

Submissions (4):

Labcorp Genetics (formerly Invitae), Labcorp
Classification: Pathogenic. Last evaluated: 2025-10-06. Review status: criteria provided, single submitter. Criteria: Invitae Variant Classification Sherloc (09022015). Collection method: clinical testing. Allele origin: germline.
Comment: This sequence change replaces serine, which is neutral and polar, with tyrosine, which is neutral and polar, at codon 616 of the LHCGR protein (p.Ser616Tyr). This variant is present in population databases (rs121912525, gnomAD 0.009%). This missense change has been observed in individuals with clinical features of autosomal recessive LHCGR-related conditions (PMID: 26246498, 27016457; internal data). ClinVar contains an entry for this variant (Variation ID: 14393). Invitae Evidence Modeling of protein sequence and biophysical properties (such as structural, functional, and spatial information, amino acid conservation, physicochemical variation, residue mobility, and thermodynamic stability) indicates that this missense variant is expected to disrupt LHCGR protein function with a positive predictive value of 80%. Experimental studies have shown that this missense change affects LHCGR function (PMID: 8559204, 11041448, 27533885). For these reasons, this variant has been classified as Pathogenic.

Women's Health and Genetics/Laboratory Corporation of America, LabCorp
Classification: Pathogenic for Leydig cell agenesis. Last evaluated: 2023-11-21. Review status: criteria provided, single submitter. Criteria: LabCorp Variant Classification Summary - May 2015. Collection method: clinical testing. Allele origin: germline.
Comment: Variant summary: LHCGR c.1847C>A (p.Ser616Tyr) results in a non-conservative amino acid change located in the GPCR, rhodopsin-like, 7TM domain (IPR017452) of the encoded protein sequence. Five of five in-silico tools predict a damaging effect of the variant on protein function. The variant allele was found at a frequency of 2e-05 in 250950 control chromosomes. c.1847C>A has been reported in the literature as a biallelic compound heterozygous or homozygous genotype in individuals affected with features of Leydig Cell Hypoplasia (example, Yan_2019, Newton_216, Vezzoli_2015). These data indicate that the variant is likely to be associated with disease. At least one publication reports experimental evidence evaluating an impact on protein function. The most pronounced variant effect results in severe intracellular retention and decreased hormone binding to the mutant receptor in-vitro (Newton_2016). The following publications have been ascertained in the context of this evaluation (PMID: 8559204, 8843415, 17030087, 9039330, 16123233, 16616374, 27533885, 26246498, 30444213). Two submitters have cited clinical-significance assessments for this variant to ClinVar after 2014. All submitters classified the variant as pathogenic/likely pathogenic. Based on the evidence outlined above, the variant was classified as pathogenic.

Laboratorio de Genetica e Diagnostico Molecular, Hospital Israelita Albert Einstein
Classification: Likely pathogenic for Leydig cell agenesis. Last evaluated: 2022-07-15. Review status: criteria provided, single submitter. Criteria: ACMG Guidelines, 2015. Collection method: clinical testing. Allele origin: germline. Affected: yes. Observed: 1 variant allele.
Comment: ACMG classification criteria: PS3 supporting, PS4 moderated, PM2 moderated, PM3 supporting, PP3 supporting

OMIM
Classification: Pathogenic for LEYDIG HYPOPLASIA, TYPE I. Last evaluated: 1996-02-22. Review status: no assertion criteria provided. Collection method: literature only. Allele origin: germline. Not counted in ClinVar's aggregate classification.

Literature cited by the submitters: PubMed 26246498 (cited by Labcorp Genetics (formerly Invitae), Labcorp and Women's Health and Genetics/Laboratory Corporation of America, LabCorp); PubMed 27016457 (cited by Labcorp Genetics (formerly Invitae), Labcorp); PubMed 8559204 (cited by 3 submitters); PubMed 11041448 (cited by Labcorp Genetics (formerly Invitae), Labcorp); PubMed 27533885 (cited by Labcorp Genetics (formerly Invitae), Labcorp and Women's Health and Genetics/Laboratory Corporation of America, LabCorp); PubMed 8843415 (cited by Women's Health and Genetics/Laboratory Corporation of America, LabCorp); PubMed 17030087 (cited by Women's Health and Genetics/Laboratory Corporation of America, LabCorp); PubMed 9039330 (cited by Women's Health and Genetics/Laboratory Corporation of America, LabCorp); PubMed 16123233 (cited by Women's Health and Genetics/Laboratory Corporation of America, LabCorp); PubMed 16616374 (cited by Women's Health and Genetics/Laboratory Corporation of America, LabCorp); PubMed 30444213 (cited by Women's Health and Genetics/Laboratory Corporation of America, LabCorp).